The following is an entry in ClinVar:

ClinVar aggregate classification (germline): Uncertain significance (1 of 4 stars; one submission).

Conditions:
Nephronophthisis. Also called: Juvenile Nephronophthisis. Identifiers: Orphanet 655, MedGen C0687120, MONDO:0019005, HP:0000090.

Submission:

Labcorp Genetics (formerly Invitae), Labcorp
Classification: Uncertain significance for Nephronophthisis. Last evaluated: 2024-02-24. Review status: criteria provided, single submitter. Criteria: Invitae Variant Classification Sherloc (09022015). Collection method: clinical testing. Allele origin: germline.
Comment: This sequence change replaces threonine, which is neutral and polar, with proline, which is neutral and non-polar, at codon 39 of the IQCB1 protein (p.Thr39Pro). This variant is not present in population databases (gnomAD no frequency). This variant has not been reported in the literature in individuals affected with IQCB1-related conditions. ClinVar contains an entry for this variant (Variation ID: 2122786). Advanced modeling of protein sequence and biophysical properties (such as structural, functional, and spatial information, amino acid conservation, physicochemical variation, residue mobility, and thermodynamic stability) performed at Invitae indicates that this missense variant is not expected to disrupt IQCB1 protein function with a negative predictive value of 80%. In summary, the available evidence is currently insufficient to determine the role of this variant in disease. Therefore, it has been classified as a Variant of Uncertain Significance.

NM_001023570.4(IQCB1):c.115A>C (p.Thr39Pro)

Gene: IQCB1 (IQ motif containing B1; minus strand). Cytogenetic location: 3q13.33.
Variant type: single nucleotide variant.
Coding change: c.115A>C on transcript NM_001023570.4 (MANE Select); coding-DNA position 115, A replaced by C.
Protein change: p.Thr39Pro; replaces threonine 39 with proline.
Molecular consequence: missense variant. On other transcripts: non-coding transcript variant (1).
Genome position (GRCh38, 1-based): chr3:121,828,618, T>G on the plus strand (A>C on the coding strand, the complement: IQCB1 is on the minus strand). VCF-style: chr3-121828618-T-G. GRCh37 (hg19) VCF-style: chr3-121547465-T-G.
Other names: c.115A>C, p.Thr39Pro (NM_001319107.2, NM_001023571.4); short protein forms T39P.
Identifiers: ClinVar variation 2122786 (VCV002122786.4), dbSNP rs2472528009, ClinGen allele CA354114364.